The following is an entry in ClinVar:

NM_138694.4(PKHD1):c.3982_3985del (p.Val1328fs)

Gene: PKHD1 (PKHD1 ciliary IPT domain containing fibrocystin/polyductin; minus strand). Cytogenetic location: 6p12.2.
Variant type: Deletion.
Coding change: c.3982_3985del on transcript NM_138694.4 (MANE Select); coding-DNA positions 3982 to 3985, 4 bases deleted (GTCA; older notation c.3982_3985delGTCA).
Protein change: p.Val1328fs; shifts the reading frame from valine 1328.
Molecular consequence: frameshift variant.
Genome position (GRCh38, 1-based): chr6:52,025,825-52,025,828, TGAC deleted on the plus strand (GTCA on the coding strand, the reverse complement: PKHD1 is on the minus strand); deleting any 4 consecutive bases within chr6:52,025,825-52,025,831 gives the same sequence; the c. name uses the placement nearest the transcript's 3' end. VCF-style (leftmost placement, unchanged base first): chr6-52025824-ATGAC-A. GRCh37 (hg19) VCF-style: chr6-51890622-ATGAC-A.
Other names: c.3982_3985del, p.Val1328fs (NM_170724.3); short protein forms V1328fs.
Identifiers: ClinVar variation 4816653 (VCV004816653.1).

ClinVar aggregate classification (germline): Likely pathogenic (1 of 4 stars; one submission).

Conditions:
Autosomal recessive polycystic kidney disease (ARPKD). Also called: AR polycystic kidney disease. Identifiers: Orphanet 731, Orphanet 8378, MedGen C0085548, MeSH D017044, MONDO:0009889.

Submission:

Natera, Inc.
Classification: Likely pathogenic for Autosomal recessive polycystic kidney disease. Last evaluated: 2025-09-14. Review status: criteria provided, single submitter. Criteria: Natera Variant Classification Schema (03/2026). Collection method: clinical testing. Allele origin: germline.
Comment: The c.3982_3985delGTCA variant in PKHD1 is a frameshift variant predicted to shift the reading frame beginning at codon 1328 and leads to a stop codon 6 codons downstream. This variant is expected to result in nonsense mediated decay, truncation, or a dysfunctional protein product. This variant is rare in the general population with a frequency below the threshold expected for the associated phenotype(s). Given the available evidence, this variant is classified as Likely Pathogenic.